The following is an entry in ClinVar:

ClinVar aggregate classification (germline): Uncertain significance. Review status: criteria provided, multiple submitters, no conflicts (2 of 4 stars). 2 submissions from 2 submitters: Uncertain significance (2). Last evaluated 2025-07-31.

Conditions:
Inborn genetic diseases. Identifiers: MedGen C0950123, MeSH D030342.

Allele frequency attached by ClinVar (database versions not stated): gnomAD 0.00001; gnomAD exomes 0.00001; TOPMed 0.00001; ExAC 0.00010.
gnomAD v4.1: 19 of 1,591,446 alleles (0.0012%); highest among the groups gnomAD compares: Admixed American, 0.0018%; no homozygotes.

Submissions (2):

Ambry Genetics
Classification: Uncertain significance for Inborn genetic diseases. Last evaluated: 2025-07-31. Review status: criteria provided, single submitter. Criteria: Ambry Variant Classification Scheme 2023. Collection method: clinical testing. Allele origin: germline.

Labcorp Genetics (formerly Invitae), Labcorp
Classification: Uncertain significance. Last evaluated: 2022-05-06. Review status: criteria provided, single submitter. Criteria: Invitae Variant Classification Sherloc (09022015). Collection method: clinical testing. Allele origin: germline.
Comment: This sequence change replaces alanine, which is neutral and non-polar, with threonine, which is neutral and polar, at codon 155 of the SLC9A3 protein (p.Ala155Thr). This variant is present in population databases (rs755902342, gnomAD 0.005%). This variant has not been reported in the literature in individuals affected with SLC9A3-related conditions. Algorithms developed to predict the effect of missense changes on protein structure and function are either unavailable or do not agree on the potential impact of this missense change (SIFT: "Not Available"; PolyPhen-2: "Possibly Damaging"; Align-GVGD: "Not Available"). In summary, the available evidence is currently insufficient to determine the role of this variant in disease. Therefore, it has been classified as a Variant of Uncertain Significance.

NM_004174.4(SLC9A3):c.463G>A (p.Ala155Thr)

Gene: SLC9A3 (solute carrier family 9 member A3). Cytogenetic location: 5p15.33.
Variant type: single nucleotide variant.
Coding change: c.463G>A on transcript NM_004174.4 (MANE Select); coding-DNA position 463, G replaced by A.
Protein change: p.Ala155Thr; replaces alanine 155 with threonine.
Molecular consequence: missense variant.
Genome position (GRCh38, 1-based): chr5:491,820, C>T on the plus strand (G>A on the coding strand, the complement: SLC9A3 is on the minus strand). VCF-style: chr5-491820-C-T. GRCh37 (hg19) VCF-style: chr5-491935-C-T.
Other names: c.463G>A, p.Ala155Thr (NM_001284351.3); c.463G>A (NM_004174.2); short protein forms A155T.
Identifiers: ClinVar variation 1938957 (VCV001938957.5), dbSNP rs755902342, ClinGen allele CA3176331.
Genomic context (GRCh38, chr5:491,820, plus strand): 5'-CAGACTCACCCATGAGCCCACTGAGGAAGACGCCGTAGAGGGACAGCCCGGTGGTGGCCG[C>T]GTTCCACACGGTACCCACGACGGCGTACAACAGGATGGTCCCCAGGTTGCCGAAGAAGAG-3'
Protein context (NP_004165.2, residues 145-165): LYAVVGTVWN[Ala155Thr]ATTGLSLYGV